The following is an entry in ClinVar:

NM_032776.3(JMJD1C):c.168+1G>T

Genes: JMJD1C (jumonji domain containing 1C; minus strand), JMJD1C-AS1 (JMJD1C antisense RNA 1; plus strand). Cytogenetic location: 10q21.3.
Variant type: single nucleotide variant.
Coding change: c.168+1G>T on transcript NM_032776.3 (MANE Select); the canonical splice donor site of the intron after coding-DNA position 168, G replaced by T.
Molecular consequence: splice donor variant. On other transcripts: non-coding transcript variant (1), intron variant (2).
Genome position (GRCh38, 1-based): chr10:63,465,494, C>A on the plus strand (G>T on the coding strand, the complement: JMJD1C is on the minus strand). VCF-style: chr10-63465494-C-A. GRCh37 (hg19) VCF-style: chr10-65225254-C-A.
Other names: c.-384+56244G>T (NM_001322258.2); c.-379+56244G>T (NM_001318154.2); c.168+1G>T (NM_001322252.2).
Identifiers: ClinVar variation 1423924 (VCV001423924.8), dbSNP rs2133122817, ClinGen allele CA377088144.

ClinVar aggregate classification (germline): Uncertain significance (1 of 4 stars; one submission).

Conditions:
Early Myoclonic Encephalopathy. Identifiers: MedGen C0270855.

Submission:

Labcorp Genetics (formerly Invitae), Labcorp
Classification: Uncertain significance for Early Myoclonic Encephalopathy. Last evaluated: 2020-11-17. Review status: criteria provided, single submitter. Criteria: Invitae Variant Classification Sherloc (09022015). Collection method: clinical testing. Allele origin: germline.
Comment: Algorithms developed to predict the effect of sequence changes on RNA splicing suggest that this variant may disrupt the consensus splice site, but this prediction has not been confirmed by published transcriptional studies. In summary, the available evidence is currently insufficient to determine the role of this variant in disease. Therefore, it has been classified as a Variant of Uncertain Significance. This variant has not been reported in the literature in individuals with JMJD1C-related conditions. This variant is not present in population databases (ExAC no frequency). This sequence change affects a donor splice site in intron 1 of the JMJD1C gene. It is expected to disrupt RNA splicing. Variants that disrupt the donor or acceptor splice site typically lead to a loss of protein function (PMID: 16199547), however the current clinical and genetic evidence is not sufficient to establish whether loss-of-function variants in JMJD1C cause disease.

Literature cited by the submitters: PubMed 16199547.